The following is an entry in ClinVar:

ClinVar aggregate classification (germline): Conflicting classifications of pathogenicity. Review status: criteria provided, conflicting classifications (1 of 4 stars). 2 submissions from 2 submitters: Uncertain significance (1); Likely benign (1). Last evaluated 2022-12-02.

Allele frequency attached by ClinVar (database versions not stated): gnomAD exomes 0.00007 and 0.00015; ExAC 0.00016; ESP Exome Variant Server 0.00041; gnomAD 0.00063 and 0.00065; TOPMed 0.00091; 1000 Genomes Project 30x 0.00109; 1000 Genomes Project 0.00120.
gnomAD v4.1: 205 of 1,612,998 alleles (0.013%); highest among the groups gnomAD compares: African/African-American, 0.24%; no homozygotes.

Submissions (2):

GeneDx
Classification: Uncertain significance. Last evaluated: 2022-12-02. Review status: criteria provided, single submitter. Criteria: GeneDx Variant Classification Process June 2021. Collection method: clinical testing. Allele origin: germline. Affected: yes.
Comment: In silico analysis supports that this variant does not alter splicing; Has not been previously published as pathogenic or benign to our knowledge

Labcorp Genetics (formerly Invitae), Labcorp
Classification: Likely benign. Last evaluated: 2017-10-09. Review status: criteria provided, single submitter. Criteria: Invitae Variant Classification Sherloc (09022015). Collection method: clinical testing. Allele origin: germline.

NM_015721.3(GEMIN4):c.2197C>T (p.Leu733=)

Gene: GEMIN4 (gem nuclear organelle associated protein 4; minus strand). Cytogenetic location: 17p13.3.
Variant type: single nucleotide variant.
Coding change: c.2197C>T on transcript NM_015721.3 (MANE Select); coding-DNA position 2197, C replaced by T.
Protein change: p.Leu733=; no amino-acid change (leucine 733 retained).
Molecular consequence: synonymous variant.
Genome position (GRCh38, 1-based): chr17:745,846, G>A on the plus strand (C>T on the coding strand, the complement: GEMIN4 is on the minus strand). VCF-style: chr17-745846-G-A. GRCh37 (hg19) VCF-style: chr17-649086-G-A.
Identifiers: ClinVar variation 715688 (VCV000715688.4), dbSNP rs188821606, ClinGen allele CA8262461.